The following is an entry in ClinVar:

ClinVar aggregate classification (germline): Uncertain significance (1 of 4 stars; one submission).

Conditions:
Polycystic kidney disease, adult type (PKD1). Also called: POLYCYSTIC KIDNEY DISEASE, ADULT, TYPE I; Polycystic Kidney Disease 1, Autosomal Dominant; Polycystic kidney disease 1; Polycystic kidney disease 1, severe; Polycystic Kidney, Autosomal Dominant; POLYCYSTIC KIDNEY DISEASE 1 WITH OR WITHOUT POLYCYSTIC LIVER DISEASE. Identifiers: MedGen C3149841, MONDO:0008263, OMIM 173900.

Submission:

MVZ Medizinische Genetik Mainz
Classification: Uncertain significance for Polycystic kidney disease, adult type. Last evaluated: 2024-10-15. Review status: criteria provided, single submitter. Criteria: UK Practice Guidelines For Variant Classification V4 01 2020. Collection method: clinical testing. Allele origin: germline. Inheritance: Autosomal dominant inheritance. Affected: yes. Observed: 1 variant allele.
Comment: ACMG Criteria: PS1_MOD,PM2_SUP,PP3,PP4

NM_001009944.3(PKD1):c.2985+3del

Gene: PKD1 (polycystin 1, transient receptor potential channel interacting; minus strand). Cytogenetic location: 16p13.3.
Variant type: Deletion.
Coding change: c.2985+3del on transcript NM_001009944.3 (MANE Select); 3 bases into the intron after coding-DNA position 2985, one base deleted (A; older notation c.2985+3delA).
Molecular consequence: intron variant.
Genome position (GRCh38, 1-based): chr16:2,113,158, T deleted on the plus strand (A on the coding strand, the reverse complement: PKD1 is on the minus strand). VCF-style (leftmost placement, unchanged base first): chr16-2113157-CT-C. GRCh37 (hg19) VCF-style: chr16-2163158-CT-C.
Other names: c.2985+3del (NM_000296.4).
Identifiers: ClinVar variation 3370347 (VCV003370347.1).